The following is an entry in ClinVar:

ClinVar aggregate classification (germline): Uncertain significance (1 of 4 stars; one submission).

Conditions:
Cardiovascular phenotype. Identifiers: MedGen CN230736.
Hereditary cancer-predisposing syndrome. Also called: Neoplastic Syndromes, Hereditary; Tumor predisposition; Hereditary Cancer Syndrome; Hereditary neoplastic syndrome. Identifiers: Orphanet 140162, MedGen C0027672, MeSH D009386, MONDO:0015356.

Submission:

Ambry Genetics
Classification: Uncertain significance for Cardiovascular phenotype; Hereditary cancer-predisposing syndrome. Last evaluated: 2021-07-12. Review status: criteria provided, single submitter. Criteria: Ambry Variant Classification Scheme 2023. Collection method: clinical testing. Allele origin: germline.
Comment: The p.S277Y variant (also known as c.830C>A), located in coding exon 9 of the LZTR1 gene, results from a C to A substitution at nucleotide position 830. The serine at codon 277 is replaced by tyrosine, an amino acid with dissimilar properties. This amino acid position is highly conserved in available vertebrate species. In addition, this alteration is predicted to be tolerated by in silico analysis. Since supporting evidence is limited at this time, the clinical significance of this alteration remains unclear.

NM_006767.4(LZTR1):c.830C>A (p.Ser277Tyr)

Gene: LZTR1 (leucine zipper like post translational regulator 1; plus strand). Cytogenetic location: 22q11.21.
Variant type: single nucleotide variant.
Coding change: c.830C>A on transcript NM_006767.4 (MANE Select); coding-DNA position 830, C replaced by A.
Protein change: p.Ser277Tyr; replaces serine 277 with tyrosine.
Molecular consequence: missense variant.
Genome position (GRCh38, 1-based): chr22:20,991,666, C>A. VCF-style: chr22-20991666-C-A. GRCh37 (hg19) VCF-style: chr22-21345955-C-A.
Other names: short protein forms S277Y.
Identifiers: ClinVar variation 1762863 (VCV001762863.2), dbSNP rs2518617002, ClinGen allele CA410781181.